The following is an entry in ClinVar:

NM_000368.5(TSC1):c.2710_2713del (p.Thr904fs)

Gene: TSC1 (TSC complex subunit 1; minus strand). Cytogenetic location: 9q34.13.
Variant type: Deletion.
Coding change: c.2710_2713del on transcript NM_000368.5 (MANE Select); coding-DNA positions 2710 to 2713, 4 bases deleted (ACCT; older notation c.2710_2713delACCT).
Protein change: p.Thr904fs; shifts the reading frame from threonine 904.
Molecular consequence: frameshift variant. On other transcripts: non-coding transcript variant (5).
Genome position (GRCh38, 1-based): chr9:132,897,523-132,897,526, AGGT deleted on the plus strand (ACCT on the coding strand, the reverse complement: TSC1 is on the minus strand); deleting any 4 consecutive bases within chr9:132,897,523-132,897,527 gives the same sequence; the c. name uses the placement nearest the transcript's 3' end. VCF-style (leftmost placement, unchanged base first): chr9-132897522-GAGGT-G. GRCh37 (hg19) VCF-style: chr9-135772909-GAGGT-G.
Other names: c.2707_2710del, p.Thr903fs (NM_001406597.1, NM_001406598.1, NM_001406599.1 and 2 more transcripts); c.2695_2698del, p.Thr899fs (NM_001406601.1, NM_001406602.1); c.2692_2695del, p.Thr898fs (NM_001406603.1, NM_001406604.1); c.2668_2671del, p.Thr890fs (NM_001406605.1, NM_001406606.1, NM_001406607.1); c.2557_2560del, p.Thr853fs (NM_001162427.2, NM_001406610.1); c.2347_2350del, p.Thr783fs (NM_001362177.2, NM_001406614.1, NM_001406615.1 and 4 more transcripts); c.2710_2713del, p.Thr904fs (NM_001406592.1, NM_001406593.1, NM_001406594.1 and 2 more transcripts); c.2665_2668del, p.Thr889fs (NM_001406608.1, NM_001406609.1); and 8 more; short protein forms T553fs, T586fs, T587fs, T768fs, T769fs, T782fs, T783fs, T838fs.
Identifiers: ClinVar variation 4683071 (VCV004683071.1).

ClinVar aggregate classification (germline): Pathogenic (1 of 4 stars; one submission).

Conditions:
Tuberous sclerosis syndrome (TSC). Also called: Tuberous Sclerosis Complex; Tuberous sclerosis. Identifiers: Orphanet 805, MedGen C0041341, MONDO:0001734.

Submission:

Cambridge Genomics Laboratory, East Genomic Laboratory Hub, NHS Genomic Medicine Service
Classification: Pathogenic for Tuberous sclerosis. Last evaluated: 2025-02-12. Review status: criteria provided, single submitter. Criteria: ACGS Best Practice Guidelines for Variant Classification in Rare Disease 2020. Collection method: clinical testing. Allele origin: germline. Affected: yes.
Comment: PVS1,PM2